The following is an entry in ClinVar:

ClinVar aggregate classification (germline): Pathogenic (1 of 4 stars; one submission).

Conditions:
Familial cancer of breast. Also called: Hereditary breast cancer; BREAST CANCER, FAMILIAL; hereditary breast carcinoma. Identifiers: Orphanet 227535, MedGen C0346153, MONDO:0016419, OMIM 114480. Disease mechanism: loss of function.

Submission:

Myriad Genetics, Inc.
Classification: Pathogenic for Familial cancer of breast. Last evaluated: 2023-09-15. Review status: criteria provided, single submitter. Criteria: Myriad Autosomal Dominant, Autosomal Recessive and X-Linked Classification Criteria (2023). Collection method: clinical testing. Allele origin: unknown.
Comment: This variant is considered pathogenic. This variant creates a frameshift predicted to result in premature protein truncation.

NM_024675.4(PALB2):c.3433_3436del (p.Gly1145fs)

Gene: PALB2 (partner and localizer of BRCA2; minus strand). Cytogenetic location: 16p12.2.
Variant type: Deletion.
Coding change: c.3433_3436del on transcript NM_024675.4 (MANE Select); coding-DNA positions 3433 to 3436, 4 bases deleted (GGTC; older notation c.3433_3436delGGTC).
Protein change: p.Gly1145fs; shifts the reading frame from glycine 1145.
Molecular consequence: frameshift variant. On other transcripts: 3 prime UTR variant (5).
Genome position (GRCh38, 1-based): chr16:23,603,584-23,603,587, GACC deleted on the plus strand (GGTC on the coding strand, the reverse complement: PALB2 is on the minus strand); deleting any 4 consecutive bases within chr16:23,603,584-23,603,589 gives the same sequence; the c. name uses the placement nearest the transcript's 3' end. VCF-style (leftmost placement, unchanged base first): chr16-23603583-TGACC-T. GRCh37 (hg19) VCF-style: chr16-23614904-TGACC-T.
Other names: c.3373_3376del, p.Gly1125fs (NM_001407296.1); c.3361_3364del, p.Gly1121fs (NM_001407297.1); c.3271_3274del, p.Gly1091fs (NM_001407298.1); c.3196_3199del, p.Gly1066fs (NM_001407299.1); c.3154_3157del, p.Gly1052fs (NM_001407300.1); c.*68_*71del (NM_001407301.1, NM_001407302.1, NM_001407310.1 and 2 more transcripts); c.2548_2551del, p.Gly850fs (NM_001407304.1, NM_001407305.1, NM_001407306.1); c.2386_2389del, p.Gly796fs (NM_001407307.1); and 3 more; short protein forms G1052fs, G1066fs, G1091fs, G1121fs, G1125fs, G1145fs, G323fs, G549fs.
Identifiers: ClinVar variation 2674068 (VCV002674068.1), dbSNP rs2506196853, ClinGen allele CA2695197575.